The following is an entry in ClinVar:

NM_001999.4(FBN2):c.8675A>G (p.Asp2892Gly)

Gene: FBN2 (fibrillin 2; minus strand). Cytogenetic location: 5q23.3.
Variant type: single nucleotide variant.
Coding change: c.8675A>G on transcript NM_001999.4 (MANE Select); coding-DNA position 8675, A replaced by G.
Protein change: p.Asp2892Gly; replaces aspartic acid 2892 with glycine.
Molecular consequence: missense variant.
Genome position (GRCh38, 1-based): chr5:128,259,519, T>C on the plus strand (A>G on the coding strand, the complement: FBN2 is on the minus strand). VCF-style: chr5-128259519-T-C. GRCh37 (hg19) VCF-style: chr5-127595211-T-C.
Other names: short protein forms D2892G.
Identifiers: ClinVar variation 994415 (VCV000994415.21), dbSNP rs768293070, ClinGen allele CA3393770.
Genomic context (GRCh38, chr5:128,259,519, plus strand): 5'-TAGAGCTGAATCTGCAGCCTCATTCTGAGAGCCTCCCCAAGCTCCCCTAGGAGGTAGTCA[T>C]CCTCATTGCTCTCTTCCAGTTTCTTAAGCTCCTTCTTCTTGTAGAGAGGGATGCTAGTGA-3'
Protein context (NP_001990.2, residues 2882-2902): ELKKLEESNE[Asp2892Gly]DYLLGELGEA

ClinVar aggregate classification (germline): Conflicting classifications of pathogenicity. Review status: criteria provided, conflicting classifications (1 of 4 stars). 6 submissions from 6 submitters: Uncertain significance (4); Benign (1); Likely benign (1). Last evaluated 2026-03-04.

Conditions:
FBN2-related disorder. Also called: FBN2-related condition.
Familial thoracic aortic aneurysm and aortic dissection (TAAD). Also called: Thoracic aortic aneurysms and dissections. Identifiers: Orphanet 91387, MedGen C4707243, MONDO:0019625.
Congenital contractural arachnodactyly (CCA). Also called: Arthrogryposis, distal, type 9; BEALS SYNDROME; Beals-Hecht syndrome. Identifiers: Orphanet 115, MedGen C0220668, MONDO:0007363, OMIM 121050.

Allele frequency attached by ClinVar (database versions not stated): gnomAD 0.00001; gnomAD exomes 0.00002 and 0.00004; TOPMed 0.00002; ExAC 0.00006.
gnomAD v4.1: 37 of 1,613,874 alleles (0.0023%); highest among the groups gnomAD compares: Middle Eastern, 0.017%; no homozygotes.

Submissions (6):

PreventionGenetics, part of Exact Sciences
Classification: Uncertain significance for FBN2-related condition. Last evaluated: 2026-03-04. Review status: criteria provided, single submitter. Criteria: ACMG Guidelines, 2015. Collection method: clinical testing. Allele origin: germline.
Comment: The FBN2 c.8675A>G variant is predicted to result in the amino acid substitution p.Asp2892Gly. To our knowledge, this variant has not been reported in the literature. This variant is reported in 0.0087% of alleles in individuals of Latino descent in gnomAD. At this time, the clinical significance of this variant is uncertain due to the absence of conclusive functional and genetic evidence.

Labcorp Genetics (formerly Invitae), Labcorp
Classification: Benign for Congenital contractural arachnodactyly. Last evaluated: 2025-11-17. Review status: criteria provided, single submitter. Criteria: Invitae Variant Classification Sherloc (09022015). Collection method: clinical testing. Allele origin: germline.

Blueprint Genetics
Classification: Likely benign. Last evaluated: 2024-01-08. Review status: criteria provided, single submitter. Criteria: ACMG Guidelines, 2015. Collection method: clinical testing. Allele origin: germline.

GeneDx
Classification: Uncertain significance. Last evaluated: 2023-11-20. Review status: criteria provided, single submitter. Criteria: GeneDx Variant Classification Process June 2021. Collection method: clinical testing. Allele origin: germline. Affected: yes.
Comment: Has not been previously published as pathogenic or benign to our knowledge; In silico analysis supports that this missense variant does not alter protein structure/function; This variant is associated with the following publications: (PMID: 27535533, 18767143)

Ambry Genetics
Classification: Uncertain significance for Familial thoracic aortic aneurysm and aortic dissection. Last evaluated: 2021-04-08. Review status: criteria provided, single submitter. Criteria: Ambry Variant Classification Scheme 2023. Collection method: clinical testing. Allele origin: germline.
Comment: The p.D2892G variant (also known as c.8675A>G), located in coding exon 65 of the FBN2 gene, results from an A to G substitution at nucleotide position 8675. The aspartic acid at codon 2892 is replaced by glycine, an amino acid with similar properties. This amino acid position is not well conserved in available vertebrate species, and glycine is the reference amino acid in other vertebrate species. In addition, this alteration is predicted to be tolerated by in silico analysis. Since supporting evidence is limited at this time, the clinical significance of this alteration remains unclear.

ARUP Laboratories, Molecular Genetics and Genomics, ARUP Laboratories
Classification: Uncertain significance. Last evaluated: 2019-09-13. Review status: criteria provided, single submitter. Criteria: ARUP Molecular Germline Variant Investigation Process. Collection method: clinical testing. Allele origin: germline.
Comment: The FBN2 c.8675A>G; p.Asp2892Gly variant (rs768293070), to our knowledge, is not reported in the medical literature or gene-specific databases. This variant is found in the general population with an overall allele frequency of 0.004% (9/251178 alleles) in the Genome Aggregation Database. The aspartate at codon 2892 is highly conserved, but computational analyses (SIFT, PolyPhen-2) predict that this variant is tolerated. However, due to limited information, the clinical significance of the p.Asp2892Gly variant is uncertain at this time.